The following is an entry in ClinVar:

ClinVar aggregate classification (germline): Uncertain significance (1 of 4 stars; one submission).

Conditions:
Predisposition to Wilms tumor.

gnomAD v4.1: 15 of 1,612,758 alleles (0.00093%); highest among the groups gnomAD compares: Non-Finnish European, 0.0013%; no homozygotes.

Submission:

St. Jude Molecular Pathology, St. Jude Children's Research Hospital
Classification: Uncertain significance for Predisposition to Wilms tumor. Last evaluated: 2024-02-11. Review status: criteria provided, single submitter. Criteria: St. Jude Assertion Criteria 2020. Collection method: clinical testing. Allele origin: germline.
Comment: The TRIM28 c.2053G>C (p.Asp685His) missense change has a maximum subpopulation frequency of 0.006% in gnomAD v2.1.1. The in silico tool REVEL predicts a benign effect on protein function, but to our knowledge this prediction has not been confirmed by functional studies. To our knowledge, this variant has not been reported in individuals with a personal or family history of Wilms tumor. In summary, the evidence currently available is insufficient to determine the clinical significance of this variant. It has therefore been classified as of uncertain significance.

NM_005762.3(TRIM28):c.2053G>C (p.Asp685His)

Gene: TRIM28 (tripartite motif containing 28; plus strand). Cytogenetic location: 19q13.43.
Variant type: single nucleotide variant.
Coding change: c.2053G>C on transcript NM_005762.3 (MANE Select); coding-DNA position 2053, G replaced by C.
Protein change: p.Asp685His; replaces aspartic acid 685 with histidine.
Molecular consequence: missense variant.
Genome position (GRCh38, 1-based): chr19:58,549,807, G>C. VCF-style: chr19-58549807-G-C. GRCh37 (hg19) VCF-style: chr19-59061174-G-C.
Other names: short protein forms D685H.
Identifiers: ClinVar variation 3377810 (VCV003377810.1).